The following is an entry in ClinVar:

ClinVar aggregate classification (germline): Benign. Review status: reviewed by expert panel (3 of 4 stars). 17 submissions from 17 submitters: Benign (1). 16 of the submissions do not count toward it. Last evaluated 2017-06-29.

Conditions:
Breast and/or ovarian cancer. Identifiers: MedGen CN221562.
Hereditary cancer-predisposing syndrome. Also called: Tumor predisposition; Neoplastic Syndromes, Hereditary; Hereditary Cancer Syndrome; Hereditary neoplastic syndrome. Identifiers: Orphanet 140162, MedGen C0027672, MeSH D009386, MONDO:0015356.
Hereditary breast ovarian cancer syndrome. Also called: Hereditary breast and ovarian cancer; Hereditary breast and ovarian cancer syndrome (HBOC); Breast and ovarian cancer; Hereditary breast and/or ovarian cancer syndrome; BRCA1- and BRCA2-Associated Hereditary Breast and Ovarian Cancer; Hereditary breast and ovarian cancer syndrome. Identifiers: Orphanet 145, MedGen C0677776, MeSH D061325, MONDO:0003582. Disease mechanism: loss of function.
Breast-ovarian cancer, familial, susceptibility to, 2 (BROVCA2). Also called: BRCA2 Hereditary Breast and Ovarian Cancer. Identifiers: Orphanet 145, MedGen C2675520, MONDO:0012933, OMIM 612555. Disease mechanism: loss of function.
Malignant tumor of breast. Also called: Malignant breast neoplasm; Cancer breast. Identifiers: MedGen C0006142, MONDO:0007254. Disease mechanism: loss of function.

Allele frequency attached by ClinVar (database versions not stated): ESP Exome Variant Server 0.00008; gnomAD exomes 0.00019 and 0.00034; ExAC 0.00040; 1000 Genomes Project below 0.00001; gnomAD 0.00003 and 0.00006; TOPMed 0.00003.
gnomAD v4.1: 281 of 1,613,446 alleles (0.017%); highest among the groups gnomAD compares: South Asian, 0.29%; 4 homozygotes.

Submissions (17):

Evidence-based Network for the Interpretation of Germline Mutant Alleles (ENIGMA)
Classification: Benign for Breast-ovarian cancer, familial, susceptibility to, 2. Last evaluated: 2017-06-29. Review status: reviewed by expert panel. Criteria: ENIGMA BRCA1/2 Classification Criteria (2017-06-29). Collection method: curation. Allele origin: germline.
Comment: Synonymous substitution variant, with low bioinformatic likelihood to alter mRNA splicing (splicing prior 0.02) and frequency 0.0028 (South Asian), derived from ExAC (2014-12-17).

Labcorp Genetics (formerly Invitae), Labcorp
Classification: Benign for Hereditary breast ovarian cancer syndrome. Last evaluated: 2026-02-02. Review status: criteria provided, single submitter. Criteria: Invitae Variant Classification Sherloc (09022015). Collection method: clinical testing. Allele origin: germline. Not counted in ClinVar's aggregate classification.

CeGaT Center for Human Genetics Tuebingen
Classification: Likely benign. Last evaluated: 2025-02-01. Review status: criteria provided, single submitter. Criteria: CeGaT Center For Human Genetics Tuebingen Variant Classification Criteria Version 2. Collection method: clinical testing. Allele origin: germline. Affected: yes. Observed: 1 variant allele. Not counted in ClinVar's aggregate classification.
Comment: BRCA2: BP4, BP7

All of Us Research Program, National Institutes of Health
Classification: Likely benign for Breast-ovarian cancer, familial, susceptibility to, 2. Last evaluated: 2024-02-05. Review status: criteria provided, single submitter. Criteria: ACMG Guidelines, 2015. Collection method: clinical testing. Allele origin: germline. Inheritance: Autosomal dominant inheritance. Observed: 13 variant alleles, 13 heterozygotes. Not counted in ClinVar's aggregate classification.
Comment: This study involves interpretation of variants in research participants for the purpose of population health screening. Participant phenotype was not available at the time of variant classification. Additional details can be found in publication PMID: 35346344, PMCID: PMC8962531

Blueprint Genetics
Classification: Likely benign. Last evaluated: 2023-10-13. Review status: criteria provided, single submitter. Criteria: ACMG Guidelines, 2015. Collection method: clinical testing. Allele origin: germline. Not counted in ClinVar's aggregate classification.

CHEO Genetics Diagnostic Laboratory, Children's Hospital of Eastern Ontario
Classification: Likely benign for Breast and/or ovarian cancer. Last evaluated: 2023-05-01. Review status: criteria provided, single submitter. Criteria: ACMG Guidelines, 2015. Collection method: clinical testing. Allele origin: germline. Not counted in ClinVar's aggregate classification.

National Health Laboratory Service, Universitas Academic Hospital and University of the Free State
Classification: Benign for Hereditary breast ovarian cancer syndrome. Last evaluated: 2022-04-19. Review status: criteria provided, single submitter. Criteria: ACMG Guidelines, 2015. Collection method: clinical testing. Allele origin: germline. Affected: yes. Observed: 1 variant allele. Not counted in ClinVar's aggregate classification.

Sema4
Classification: Likely benign for Hereditary cancer-predisposing syndrome. Last evaluated: 2021-03-31. Review status: criteria provided, single submitter. Criteria: Sema4 Curation Guidelines. Collection method: curation. Allele origin: germline. Not counted in ClinVar's aggregate classification.

Quest Diagnostics Nichols Institute San Juan Capistrano
Classification: Benign. Last evaluated: 2019-03-22. Review status: criteria provided, single submitter. Criteria: Quest Diagnostics criteria. Collection method: clinical testing. Allele origin: germline. Not counted in ClinVar's aggregate classification.

ARUP Laboratories, Molecular Genetics and Genomics, ARUP Laboratories
Classification: Benign. Last evaluated: 2018-12-31. Review status: criteria provided, single submitter. Criteria: ARUP Molecular Germline Variant Investigation Process. Collection method: clinical testing. Allele origin: germline. Not counted in ClinVar's aggregate classification.

Color Diagnostics, LLC DBA Color Health
Classification: Likely benign for Hereditary cancer-predisposing syndrome. Last evaluated: 2015-10-16. Review status: criteria provided, single submitter. Criteria: ACMG Guidelines, 2015. Collection method: clinical testing. Allele origin: germline. Not counted in ClinVar's aggregate classification.

Ambry Genetics
Classification: Likely benign for Hereditary cancer-predisposing syndrome. Last evaluated: 2014-11-06. Review status: criteria provided, single submitter. Criteria: Ambry Variant Classification Scheme 2023. Collection method: clinical testing. Allele origin: germline. Not counted in ClinVar's aggregate classification.

GeneDx
Classification: Benign. Last evaluated: 2014-10-03. Review status: criteria provided, single submitter. Criteria: GeneDx Variant Classification (06012015). Collection method: clinical testing. Allele origin: germline. Affected: yes. Not counted in ClinVar's aggregate classification.
Comment: This variant is considered likely benign or benign based on one or more of the following criteria: it is a conservative change, it occurs at a poorly conserved position in the protein, it is predicted to be benign by multiple in silico algorithms, and/or has population frequency not consistent with disease.

Counsyl
Classification: Likely benign for Breast-ovarian cancer, familial, susceptibility to, 2. Last evaluated: 2016-05-18. Review status: no assertion criteria provided. Collection method: clinical testing. Allele origin: unknown. Not counted in ClinVar's aggregate classification.

Clinical Genetics Laboratory, Department of Pathology, Netherlands Cancer Institute
Classification: Likely benign. Review status: no assertion criteria provided. Collection method: clinical testing. Allele origin: germline. Affected: yes. Study: VKGL Data-share Consensus. Not counted in ClinVar's aggregate classification.

Department of Pathology and Laboratory Medicine, Sinai Health System
Classification: Benign for Malignant tumor of breast. Review status: no assertion criteria provided. Collection method: clinical testing. Allele origin: unknown. Affected: yes. Study: The Canadian Open Genetics Repository (COGR). Not counted in ClinVar's aggregate classification.
Comment: The BRCA2 p.Ser2807Ser variant was not identified in the literature. The variant was identified in dbSNP (ID: rs371278843) â€šÃ„ÃºWith Likely benign alleleâ€šÃ„Ã¹, NHLBI Exome Sequencing Project (Exome Variant Server), Exome Aggregation Consortium (ExAC) database, the ClinVar database (classified as a benign variant by GeneDx; classified as likely benign by Ambry Genetics), GeneInsight COGR database (1X, classified as â€šÃ„Ãºlikely benignâ€šÃ„Ã¹ by a clinical laboratory), and UMD (1X as a UV variant). This variant was identified in the Exome Variant Server project in 1 of 4406 African American alleles, the Exome Aggregation Consortium (ExAC) database (released Jan 13, 2015). The variant was also identified in 46 of 16508 individuals from South Asia (frequency: 0.0028) and once in homozygous state, increasing the likelihood this variant does not have clinical significance. It was also identified in one East Asian and one African individual, increasing the likelihood this could be a low frequency benign variant in certain populations of origin. The p.Ser2807Ser variant is not expected to have clinical significance because it does not result in a change of amino acid and is not located in a known consensus splice site. The variant occurs outside of the splicing consensus sequence and 1 of 5 in silico or computational prediction software programs (SpliceSiteFinder, MaxEntScan, NNSPLICE, GeneSplicer, HumanSpliceFinder) predict a greater than 10% difference in splicing; this is not very predictive of pathogenicity. It should be noted that another variant at the same position (c.8421G>T, p.Ser2807Ser) did not show splicing aberration and classified as Class 2, likely not pathogenic, according to the IARC 5 class system (Thomassen 2012). In summary, based on the above information this variant is classified as benign.

Joint Genome Diagnostic Labs from Nijmegen and Maastricht, Radboudumc and MUMC+
Classification: Likely benign. Review status: no assertion criteria provided. Collection method: clinical testing. Allele origin: germline. Affected: yes. Study: VKGL Data-share Consensus. Not counted in ClinVar's aggregate classification.

NM_000059.4(BRCA2):c.8421G>A (p.Ser2807=)

Gene: BRCA2 (BRCA2 DNA repair associated; plus strand). Cytogenetic location: 13q13.1.
Variant type: single nucleotide variant.
Coding change: c.8421G>A on transcript NM_000059.4 (MANE Select); coding-DNA position 8421, G replaced by A.
Protein change: p.Ser2807=; no amino-acid change (serine 2807 retained).
Molecular consequence: synonymous variant.
Genome position (GRCh38, 1-based): chr13:32,370,491, G>A. VCF-style: chr13-32370491-G-A. GRCh37 (hg19) VCF-style: chr13-32944628-G-A.
Other names: p.S2807S:TCG>TCA; NP_000050.3:p.Ser2807=.
Identifiers: ClinVar variation 182299 (VCV000182299.51), dbSNP rs371278843, ClinGen allele CA025636.